The following is an entry in ClinVar:

ClinVar aggregate classification (germline): Uncertain significance. Review status: criteria provided, multiple submitters, no conflicts (2 of 4 stars). 2 submissions from 2 submitters: Uncertain significance (2). Last evaluated 2026-01-01.

Conditions:
Inborn genetic diseases. Identifiers: MedGen C0950123, MeSH D030342.

gnomAD v4.1: 22 of 1,148,478 alleles (0.0019%); highest among the groups gnomAD compares: African/African-American, 0.023%; 1 homozygote.

Submissions (2):

CeGaT Center for Human Genetics Tuebingen
Classification: Uncertain significance. Last evaluated: 2026-01-01. Review status: criteria provided, single submitter. Criteria: CeGaT Center For Human Genetics Tuebingen Variant Classification Criteria Version 2. Collection method: clinical testing. Allele origin: germline. Affected: yes. Observed: 3 variant alleles.
Comment: CUX1: PP2

Ambry Genetics
Classification: Uncertain significance for Inborn genetic diseases. Last evaluated: 2025-11-26. Review status: criteria provided, single submitter. Criteria: Ambry Variant Classification Scheme 2023. Collection method: clinical testing. Allele origin: germline.

NM_181552.4(CUX1):c.4298C>T (p.Ala1433Val)

Gene: CUX1 (cut like homeobox 1; plus strand). Cytogenetic location: 7q22.1.
Variant type: single nucleotide variant.
Coding change: c.4298C>T on transcript NM_181552.4 (MANE Select); coding-DNA position 4298, C replaced by T.
Protein change: p.Ala1433Val; replaces alanine 1433 with valine.
Molecular consequence: missense variant. On other transcripts: intron variant (5).
Genome position (GRCh38, 1-based): chr7:102,248,822, C>T. VCF-style: chr7-102248822-C-T. GRCh37 (hg19) VCF-style: chr7-101892102-C-T.
Other names: c.4331C>T, p.Ala1444Val (NM_001202543.2); c.1256-24544C>T (NM_001913.5); c.1250-24544C>T (NM_181500.4); c.1118-24544C>T (NM_001202545.3); c.1208-24544C>T (NM_001202544.3); c.1139-24544C>T (NM_001202546.3); short protein forms A1433V, A1444V.
Identifiers: ClinVar variation 2353962 (VCV002353962.26), dbSNP rs782643537, ClinGen allele CA368669700.